The following is an entry in ClinVar:

ClinVar aggregate classification (germline): Likely benign (1 of 4 stars; one submission).

Submission:

CeGaT Center for Human Genetics Tuebingen
Classification: Likely benign. Last evaluated: 2024-08-01. Review status: criteria provided, single submitter. Criteria: CeGaT Center For Human Genetics Tuebingen Variant Classification Criteria Version 2. Collection method: clinical testing. Allele origin: germline. Affected: yes. Observed: 1 variant allele.
Comment: STARD7: BS2

NM_020151.4(STARD7):c.77A>G (p.Gln26Arg)

Genes: STARD7 (StAR related lipid transfer domain containing 7; minus strand), LOC129934328 (ATAC-STARR-seq lymphoblastoid silent region 11757; plus strand). Cytogenetic location: 2q11.2.
Variant type: single nucleotide variant.
Coding change: c.77A>G on transcript NM_020151.4 (MANE Select); coding-DNA position 77, A replaced by G.
Protein change: p.Gln26Arg; replaces glutamine 26 with arginine.
Molecular consequence: missense variant. On other transcripts: intron variant (1).
Genome position (GRCh38, 1-based): chr2:96,208,358, T>C on the plus strand (A>G on the coding strand, the complement: STARD7 is on the minus strand). VCF-style: chr2-96208358-T-C. GRCh37 (hg19) VCF-style: chr2-96874096-T-C.
Other names: c.-14+181A>G (NM_001385622.1); short protein forms Q26R.
Identifiers: ClinVar variation 3341624 (VCV003341624.16).
Genomic context (GRCh38, chr2:96,208,358, plus strand): 5'-CCGTAGAGCTGCGCGATCTGCTGCGCGCGCCGCACGCGCAGGCCCGTGACGAAGCGGCAC[T>C]GATTGGCCAGAAGCGCCAGCAGGCCCCCGCCCCGCGTCCCCGCCAGCCAGGCGGCCAGCA-3'
Protein context (NP_064536.2, residues 16-36): GGGLLALLAN[Gln26Arg]CRFVTGLRVR